The following is an entry in ClinVar:

NM_001042492.3(NF1):c.6900A>C (p.Lys2300Asn)

Gene: NF1 (neurofibromin 1; plus strand). Cytogenetic location: 17q11.2.
Variant type: single nucleotide variant.
Coding change: c.6900A>C on transcript NM_001042492.3 (MANE Select); coding-DNA position 6900, A replaced by C.
Protein change: p.Lys2300Asn; replaces lysine 2300 with asparagine.
Molecular consequence: missense variant.
Genome position (GRCh38, 1-based): chr17:31,338,784, A>C. VCF-style: chr17-31338784-A-C. GRCh37 (hg19) VCF-style: chr17-29665802-A-C.
Other names: c.6837A>C, p.Lys2279Asn (NM_000267.4); short protein forms K2279N, K2300N.
Identifiers: ClinVar variation 187610 (VCV000187610.9), dbSNP rs786203861, ClinGen allele CA198079.

ClinVar aggregate classification (germline): Uncertain significance. Review status: criteria provided, multiple submitters, no conflicts (2 of 4 stars). 3 submissions from 3 submitters: Uncertain significance (3). Last evaluated 2022-03-15.

Conditions:
Hereditary cancer-predisposing syndrome. Also called: Hereditary Cancer Syndrome; Neoplastic Syndromes, Hereditary; Tumor predisposition; Hereditary neoplastic syndrome. Identifiers: Orphanet 140162, MedGen C0027672, MeSH D009386, MONDO:0015356.
Neurofibromatosis, type 1 (NF1). Also called: NEUROFIBROMATOSIS, TYPE I, SOMATIC; VON RECKLINGHAUSEN DISEASE; Peripheral type neurofibromatosis; Neurofibromatosis, type I. Identifiers: Orphanet 636, MedGen C0027831, MONDO:0018975, OMIM 162200. Disease mechanism: loss of function.

Submissions (3):

Genome-Nilou Lab
Classification: Uncertain significance for Neurofibromatosis, type 1. Last evaluated: 2022-03-15. Review status: criteria provided, single submitter. Criteria: ACMG Guidelines, 2015. Collection method: clinical testing. Allele origin: germline. Affected: no.

Labcorp Genetics (formerly Invitae), Labcorp
Classification: Uncertain significance for Neurofibromatosis, type 1. Last evaluated: 2017-12-17. Review status: criteria provided, single submitter. Criteria: Invitae Variant Classification Sherloc (09022015). Collection method: clinical testing. Allele origin: germline.
Comment: This sequence change replaces lysine with asparagine at codon 2279 of the NF1 protein (p.Lys2279Asn). The lysine residue is highly conserved and there is a moderate physicochemical difference between lysine and asparagine. In summary, the available evidence is currently insufficient to determine the role of this variant in disease. Therefore, it has been classified as a Variant of Uncertain Significance. Algorithms developed to predict the effect of missense changes on protein structure and function do not agree on the potential impact of this missense change (SIFT: "Deleterious"; PolyPhen-2: "Probably Damaging"; Align-GVGD: "Class C0"). This variant has not been reported in the literature in individuals with NF1-related disease. ClinVar contains an entry for this variant (Variation ID: 187610). This variant is not present in population databases (ExAC no frequency).

Ambry Genetics
Classification: Uncertain significance for Hereditary cancer-predisposing syndrome. Last evaluated: 2014-12-22. Review status: criteria provided, single submitter. Criteria: Ambry Autosomal Dominant and X-Linked criteria (10/2015). Collection method: clinical testing. Allele origin: germline. Observed: 1 variant allele.
Comment: The p.K2300N variant (also known as c.6900A>C and c.6837A>C and p.K2279N), located in coding exon 46 of the NF1 gene, results from an A to C substitution at nucleotide position 6900. The lysine at codon 2300 is replaced by asparagine, an amino acid with similar properties. This variant was not reported in population based cohorts in the following databases: Database of Single Nucleotide Polymorphisms (dbSNP), NHLBI Exome Sequencing Project (ESP), and 1000 Genomes Project. In the ESP, this variant was not observed in 6496 samples (12992 alleles) with coverage at this position. To date, this alteration has been detected with an allele frequency of approximately 0.003% (greater than 30000alleles tested) in our clinical cohort. This amino acid position is well conserved in available vertebrate species. In addition, this alteration is predicted to be tolerated by in silico analysis.Since supporting evidence is limited at this time, the clinical significance of p.K2300Nremains unclear.